The following is an entry in ClinVar:

ClinVar aggregate classification (germline): Uncertain significance. Review status: criteria provided, multiple submitters, no conflicts (2 of 4 stars). 2 submissions from 2 submitters: Uncertain significance (2). Last evaluated 2026-02-01.

Allele frequency attached by ClinVar (database versions not stated): gnomAD 0.00005; TOPMed 0.00005; ExAC 0.00006.
gnomAD v4.1: 186 of 1,611,878 alleles (0.012%); highest among the groups gnomAD compares: Non-Finnish European, 0.015%; no homozygotes.

Submissions (2):

Labcorp Genetics (formerly Invitae), Labcorp
Classification: Uncertain significance. Last evaluated: 2026-02-01. Review status: criteria provided, single submitter. Criteria: Invitae Variant Classification Sherloc (09022015). Collection method: clinical testing. Allele origin: germline.
Comment: This sequence change replaces proline, which is neutral and non-polar, with leucine, which is neutral and non-polar, at codon 1906 of the ADAMTS9 protein (p.Pro1906Leu). This variant is present in population databases (rs561828098, gnomAD 0.01%). This variant has not been reported in the literature in individuals affected with ADAMTS9-related conditions. ClinVar contains an entry for this variant (Variation ID: 2364593). An algorithm developed to predict the effect of missense changes on protein structure and function outputs the following: PolyPhen-2: "Benign". The leucine amino acid residue is found in multiple mammalian species, which suggests that this missense change does not adversely affect protein function. In summary, the available evidence is currently insufficient to determine the role of this variant in disease. Therefore, it has been classified as a Variant of Uncertain Significance.

Ambry Genetics
Classification: Uncertain significance. Last evaluated: 2021-09-17. Review status: criteria provided, single submitter. Criteria: Ambry Variant Classification Scheme 2023. Collection method: clinical testing. Allele origin: germline.

NM_182920.2(ADAMTS9):c.5717C>T (p.Pro1906Leu)

Gene: ADAMTS9 (ADAM metallopeptidase with thrombospondin type 1 motif 9; minus strand). Cytogenetic location: 3p14.1.
Variant type: single nucleotide variant.
Coding change: c.5717C>T on transcript NM_182920.2 (MANE Select); coding-DNA position 5717, C replaced by T.
Protein change: p.Pro1906Leu; replaces proline 1906 with leucine.
Molecular consequence: missense variant.
Genome position (GRCh38, 1-based): chr3:64,533,167, G>A on the plus strand (C>T on the coding strand, the complement: ADAMTS9 is on the minus strand). VCF-style: chr3-64533167-G-A. GRCh37 (hg19) VCF-style: chr3-64518843-G-A.
Other names: c.5633C>T, p.Pro1878Leu (NM_001318781.2); short protein forms P1878L, P1906L.
Identifiers: ClinVar variation 2364593 (VCV002364593.3), dbSNP rs561828098, ClinGen allele CA2480019.